The following is an entry in ClinVar:

ClinVar aggregate classification (germline): Uncertain significance. Review status: criteria provided, multiple submitters, no conflicts (2 of 4 stars). 2 submissions from 2 submitters: Uncertain significance (2). Last evaluated 2024-09-26.

Allele frequency attached by ClinVar (database versions not stated): ExAC 0.00001; gnomAD 0.00001; gnomAD exomes 0.00002; TOPMed 0.00002.
gnomAD v4.1: 26 of 1,614,046 alleles (0.0016%); highest among the groups gnomAD compares: Admixed American, 0.0033%; no homozygotes.

Submissions (2):

Ambry Genetics
Classification: Uncertain significance. Last evaluated: 2024-09-26. Review status: criteria provided, single submitter. Criteria: Ambry Variant Classification Scheme 2023. Collection method: clinical testing. Allele origin: germline.

Labcorp Genetics (formerly Invitae), Labcorp
Classification: Uncertain significance. Last evaluated: 2022-01-27. Review status: criteria provided, single submitter. Criteria: Invitae Variant Classification Sherloc (09022015). Collection method: clinical testing. Allele origin: germline.
Comment: This variant has not been reported in the literature in individuals affected with KRT85-related conditions. This variant is present in population databases (rs767719087, gnomAD 0.003%). This sequence change replaces arginine, which is basic and polar, with histidine, which is basic and polar, at codon 142 of the KRT85 protein (p.Arg142His). Algorithms developed to predict the effect of missense changes on protein structure and function (SIFT, PolyPhen-2, Align-GVGD) all suggest that this variant is likely to be disruptive. In summary, the available evidence is currently insufficient to determine the role of this variant in disease. Therefore, it has been classified as a Variant of Uncertain Significance.

NM_002283.4(KRT85):c.425G>A (p.Arg142His)

Gene: KRT85 (keratin 85; minus strand). Cytogenetic location: 12q13.13.
Variant type: single nucleotide variant.
Coding change: c.425G>A on transcript NM_002283.4 (MANE Select); coding-DNA position 425, G replaced by A.
Protein change: p.Arg142His; replaces arginine 142 with histidine.
Molecular consequence: missense variant.
Genome position (GRCh38, 1-based): chr12:52,365,166, C>T on the plus strand (G>A on the coding strand, the complement: KRT85 is on the minus strand). VCF-style: chr12-52365166-C-T. GRCh37 (hg19) VCF-style: chr12-52758950-C-T.
Other names: c.425G>A (NM_002283.3); short protein forms R142H.
Identifiers: ClinVar variation 1951601 (VCV001951601.6), dbSNP rs767719087, ClinGen allele CA6578293.